The following is an entry in ClinVar:

NM_003640.5(ELP1):c.1108G>A (p.Ala370Thr)

Gene: ELP1 (elongator acetyltransferase complex subunit 1; minus strand). Cytogenetic location: 9q31.3.
Variant type: single nucleotide variant.
Coding change: c.1108G>A on transcript NM_003640.5 (MANE Select); coding-DNA position 1108, G replaced by A.
Protein change: p.Ala370Thr; replaces alanine 370 with threonine.
Molecular consequence: missense variant.
Genome position (GRCh38, 1-based): chr9:108,912,345, C>T on the plus strand (G>A on the coding strand, the complement: ELP1 is on the minus strand). VCF-style: chr9-108912345-C-T. GRCh37 (hg19) VCF-style: chr9-111674625-C-T.
Other names: c.766G>A, p.Ala256Thr (NM_001318360.2); c.61G>A, p.Ala21Thr (NM_001330749.2); short protein forms A21T, A370T, A256T.
Identifiers: ClinVar variation 2157688 (VCV002157688.1), dbSNP rs768886458, ClinGen allele CA5175123.

ClinVar aggregate classification (germline): Uncertain significance (1 of 4 stars; one submission).

Allele frequency attached by ClinVar (database versions not stated): gnomAD 0.00001; gnomAD exomes 0.00001; ExAC 0.00002.
gnomAD v4.1: 13 of 1,614,008 alleles (0.00081%); highest among the groups gnomAD compares: South Asian, 0.0055%; no homozygotes.

Submission:

Labcorp Genetics (formerly Invitae), Labcorp
Classification: Uncertain significance. Last evaluated: 2022-08-19. Review status: criteria provided, single submitter. Criteria: Invitae Variant Classification Sherloc (09022015). Collection method: clinical testing. Allele origin: germline.
Comment: This sequence change replaces alanine, which is neutral and non-polar, with threonine, which is neutral and polar, at codon 370 of the ELP1 protein (p.Ala370Thr). This variant is present in population databases (rs768886458, gnomAD 0.007%). This variant has not been reported in the literature in individuals affected with ELP1-related conditions. Algorithms developed to predict the effect of missense changes on protein structure and function (SIFT, PolyPhen-2, Align-GVGD) all suggest that this variant is likely to be tolerated. In summary, the available evidence is currently insufficient to determine the role of this variant in disease. Therefore, it has been classified as a Variant of Uncertain Significance.